The following is an entry in ClinVar:

ClinVar aggregate classification (germline): Uncertain significance (1 of 4 stars; one submission).

gnomAD v4.1: 2 of 1,613,942 alleles (0.00012%); highest among the groups gnomAD compares: African/African-American, 0.0027%; no homozygotes.

Submission:

Ambry Genetics
Classification: Uncertain significance. Last evaluated: 2024-09-06. Review status: criteria provided, single submitter. Criteria: Ambry Variant Classification Scheme 2023. Collection method: clinical testing. Allele origin: germline.
Comment: The p.T1191R variant (also known as c.3572C>G), located in coding exon 32 of the KIF1B gene, results from a C to G substitution at nucleotide position 3572. The threonine at codon 1191 is replaced by arginine, an amino acid with similar properties. This amino acid position is conserved. In addition, the in silico prediction for this alteration is inconclusive. Based on the available evidence, the clinical significance of this variant remains unclear.

NM_001365951.3(KIF1B):c.3710C>G (p.Thr1237Arg)

Gene: KIF1B (kinesin family member 1B; plus strand). Cytogenetic location: 1p36.22.
Variant type: single nucleotide variant.
Coding change: c.3710C>G on transcript NM_001365951.3 (MANE Select); coding-DNA position 3710, C replaced by G.
Protein change: p.Thr1237Arg; replaces threonine 1237 with arginine.
Molecular consequence: missense variant.
Genome position (GRCh38, 1-based): chr1:10,345,866, C>G. VCF-style: chr1-10345866-C-G. GRCh37 (hg19) VCF-style: chr1-10405924-C-G.
Other names: c.3710C>G, p.Thr1237Arg (NM_001365952.1); c.3572C>G, p.Thr1191Arg (NM_015074.3); short protein forms T1191R, T1237R.
Identifiers: ClinVar variation 3534005 (VCV003534005.1).